The following is an entry in ClinVar:

NM_005732.4(RAD50):c.2257_2260del (p.Lys753fs)

Gene: RAD50 (RAD50 double strand break repair protein; plus strand). Cytogenetic location: 5q31.1.
Variant type: Microsatellite.
Coding change: c.2257_2260del on transcript NM_005732.4 (MANE Select); coding-DNA positions 2257 to 2260, 4 bases deleted (AAAC; older notation c.2257_2260delAAAC).
Protein change: p.Lys753fs; shifts the reading frame from lysine 753.
Molecular consequence: frameshift variant.
Genome position (GRCh38, 1-based): chr5:132,603,349-132,603,352, AAAC deleted; deleting any 4 consecutive bases within chr5:132,603,345-132,603,352 gives the same sequence; the c. name uses the placement nearest the transcript's 3' end. VCF-style (leftmost placement, unchanged base first): chr5-132603344-GAAAC-G. GRCh37 (hg19) VCF-style: chr5-131939036-GAAAC-G.
Other names: short protein forms K753fs.
Identifiers: ClinVar variation 1377140 (VCV001377140.6), dbSNP rs1750920933, ClinGen allele CA1081657144.

ClinVar aggregate classification (germline): Pathogenic (1 of 4 stars; one submission).

Conditions:
Hereditary cancer-predisposing syndrome. Also called: Neoplastic Syndromes, Hereditary; Hereditary Cancer Syndrome; Tumor predisposition; Hereditary neoplastic syndrome. Identifiers: Orphanet 140162, MedGen C0027672, MeSH D009386, MONDO:0015356.

Submission:

Labcorp Genetics (formerly Invitae), Labcorp
Classification: Pathogenic for Hereditary cancer-predisposing syndrome. Last evaluated: 2021-10-06. Review status: criteria provided, single submitter. Criteria: Invitae Variant Classification Sherloc (09022015). Collection method: clinical testing. Allele origin: germline.
Comment: For these reasons, this variant has been classified as Pathogenic. This variant has not been reported in the literature in individuals with RAD50-related conditions. This variant is not present in population databases (ExAC no frequency). This sequence change creates a premature translational stop signal (p.Lys753Cysfs*11) in the RAD50 gene. It is expected to result in an absent or disrupted protein product. Loss-of-function variants in RAD50 are known to be pathogenic (PMID: 16385572, 19409520).

Literature cited by the submitters: PubMed 16385572; PubMed 19409520.